The following is an entry in ClinVar:

ClinVar aggregate classification (germline): Uncertain significance. Review status: criteria provided, multiple submitters, no conflicts (2 of 4 stars). 2 submissions from 2 submitters: Uncertain significance (2). Last evaluated 2025-10-13.

Conditions:
Hereditary spastic paraplegia. Also called: Familial spastic paraparesis. Identifiers: Orphanet 685, MedGen C0037773, MONDO:0019064. Disease mechanism: loss of function.
Neuropathy, hereditary sensory, type 2C. Also called: KIF1A-Related HSAN2 (HSAN2C); Hereditary sensory and autonomic neuropathy type IIC. Identifiers: Orphanet 970, MedGen C3280168, MONDO:0013634, OMIM 614213.
Intellectual disability, autosomal dominant 9 (NESCAVS). Also called: KIF1A-Related Neurodevelopmental Disorder; NESCAV SYNDROME. Identifiers: Orphanet 662367, MedGen C5393830, MONDO:0013656, OMIM 614255.
Hereditary spastic paraplegia 30. Identifiers: Orphanet 101010, MedGen C5235139, MONDO:0012476.

Allele frequency attached by ClinVar (database versions not stated): gnomAD exomes below 0.00001; TOPMed below 0.00001; ExAC 0.00001.
gnomAD v4.1: 111 of 1,612,516 alleles (0.0069%); highest among the groups gnomAD compares: Non-Finnish European, 0.0092%; no homozygotes.

Submissions (2):

Labcorp Genetics (formerly Invitae), Labcorp
Classification: Uncertain significance for Hereditary spastic paraplegia 30; Neuropathy, hereditary sensory, type 2C; Intellectual disability, autosomal dominant 9. Last evaluated: 2025-10-13. Review status: criteria provided, single submitter. Criteria: Invitae Variant Classification Sherloc (09022015). Collection method: clinical testing. Allele origin: germline.
Comment: This sequence change falls in intron 6 of the KIF1A gene. It does not directly change the encoded amino acid sequence of the KIF1A protein. It affects a nucleotide within the consensus splice site. This variant is present in population databases (rs759856763, gnomAD 0.0009%). This variant has not been reported in the literature in individuals affected with KIF1A-related conditions. ClinVar contains an entry for this variant (Variation ID: 1344386). Variants that disrupt the consensus splice site are a relatively common cause of aberrant splicing (PMID: 17576681, 9536098). Algorithms developed to predict the effect of sequence changes on RNA splicing suggest that this variant is not likely to affect RNA splicing. In summary, the available evidence is currently insufficient to determine the role of this variant in disease. Therefore, it has been classified as a Variant of Uncertain Significance.

Genome Diagnostics Laboratory, The Hospital for Sick Children
Classification: Uncertain significance for Hereditary spastic paraplegia. Last evaluated: 2016-12-12. Review status: criteria provided, single submitter. Criteria: ACMG Guidelines, 2015. Collection method: clinical testing. Allele origin: germline. Affected: yes.

Literature cited by the submitters: PubMed 17576681 (cited by Labcorp Genetics (formerly Invitae), Labcorp); PubMed 9536098 (cited by Labcorp Genetics (formerly Invitae), Labcorp).

NM_001244008.2(KIF1A):c.720+3G>A

Gene: KIF1A (kinesin family member 1A; minus strand). Cytogenetic location: 2q37.3.
Variant type: single nucleotide variant.
Coding change: c.720+3G>A on transcript NM_001244008.2 (MANE Select); 3 bases into the intron after coding-DNA position 720, G replaced by A.
Molecular consequence: intron variant.
Genome position (GRCh38, 1-based): chr2:240,784,986, C>T on the plus strand (G>A on the coding strand, the complement: KIF1A is on the minus strand). VCF-style: chr2-240784986-C-T. GRCh37 (hg19) VCF-style: chr2-241724403-C-T.
Other names: c.720+3G>A (NM_001379653.1, NM_001379650.1, NM_001379645.1 and 20 more transcripts).
Identifiers: ClinVar variation 1344386 (VCV001344386.6), dbSNP rs759856763, ClinGen allele CA2208696.
Genomic context (GRCh38, chr2:240,784,986, plus strand): 5'-CACCCCTACCCTGACCACCAGCCACTGCCCTTGGTGGCACCGCCTGTGAGGCCACTCACT[C>T]ACCTTCTCCGTGGTGATATTGGTCTCTGCGTCATGGCGCTTCTGGGTGAAGATGATGTTG-3'